The following is an entry in ClinVar:

ClinVar aggregate classification (germline): Uncertain significance. Review status: criteria provided, multiple submitters, no conflicts (2 of 4 stars). 2 submissions from 2 submitters: Uncertain significance (2). Last evaluated 2024-04-24.

Conditions:
Mitochondrial complex IV deficiency, nuclear type 8. Also called: Mitochondrial complex 4 deficiency, nuclear type 8. Identifiers: MedGen C5436689, MONDO:0033638, OMIM 619052.

Allele frequency attached by ClinVar (database versions not stated): gnomAD exomes 0.00001; TOPMed 0.00001; ExAC 0.00003; ESP Exome Variant Server 0.00008; gnomAD 0.00001.
gnomAD v4.1: 22 of 1,612,680 alleles (0.0014%); highest among the groups gnomAD compares: Non-Finnish European, 0.0019%; no homozygotes.

Submissions (2):

Fulgent Genetics
Classification: Uncertain significance for Mitochondrial complex IV deficiency, nuclear type 8. Last evaluated: 2024-04-24. Review status: criteria provided, single submitter. Criteria: ACMG Guidelines, 2015. Collection method: clinical testing. Allele origin: germline.

Labcorp Genetics (formerly Invitae), Labcorp
Classification: Uncertain significance. Last evaluated: 2023-09-21. Review status: criteria provided, single submitter. Criteria: Invitae Variant Classification Sherloc (09022015). Collection method: clinical testing. Allele origin: germline.
Comment: This sequence change replaces arginine, which is basic and polar, with cysteine, which is neutral and slightly polar, at codon 89 of the TACO1 protein (p.Arg89Cys). This variant is present in population databases (rs369864553, gnomAD 0.01%). This variant has not been reported in the literature in individuals affected with TACO1-related conditions. ClinVar contains an entry for this variant (Variation ID: 2146498). Advanced modeling of protein sequence and biophysical properties (such as structural, functional, and spatial information, amino acid conservation, physicochemical variation, residue mobility, and thermodynamic stability) performed at Invitae indicates that this missense variant is expected to disrupt TACO1 protein function. In summary, the available evidence is currently insufficient to determine the role of this variant in disease. Therefore, it has been classified as a Variant of Uncertain Significance.

NM_016360.4(TACO1):c.265C>T (p.Arg89Cys)

Gene: TACO1 (translational activator of cytochrome c oxidase I; plus strand). Cytogenetic location: 17q23.3.
Variant type: single nucleotide variant.
Coding change: c.265C>T on transcript NM_016360.4 (MANE Select); coding-DNA position 265, C replaced by T.
Protein change: p.Arg89Cys; replaces arginine 89 with cysteine.
Molecular consequence: missense variant.
Genome position (GRCh38, 1-based): chr17:63,601,348, C>T. VCF-style: chr17-63601348-C-T. GRCh37 (hg19) VCF-style: chr17-61678707-C-T.
Other names: short protein forms R89C.
Identifiers: ClinVar variation 2146498 (VCV002146498.4), dbSNP rs369864553, ClinGen allele CA8702063.
Genomic context (GRCh38, chr17:63,601,348, plus strand): 5'-ATCAAGGGTCCGAAGGACGTCGAAAGGAGTCGCATCTTCTCCAAACTCTGTTTGAACATC[C>T]GCCTGGCAGTGAAAGGTGAGACCCTGACGGTCACCCAGCACTGGCTGCCGCTGCCCTCTC-3'
Protein context (NP_057444.2, residues 79-99): RIFSKLCLNI[Arg89Cys]LAVKEGGPNP